The following is an entry in ClinVar:

NM_001367721.1(CASK):c.626T>C (p.Leu209Pro)

Gene: CASK (calcium/calmodulin dependent serine protein kinase; minus strand). Cytogenetic location: Xp11.4.
Variant type: single nucleotide variant.
Coding change: c.626T>C on transcript NM_001367721.1 (MANE Select); coding-DNA position 626, T replaced by C.
Protein change: p.Leu209Pro; replaces leucine 209 with proline.
Molecular consequence: missense variant.
Genome position (GRCh38, 1-based): chrX:41,665,359, A>G on the plus strand (T>C on the coding strand, the complement: CASK is on the minus strand). VCF-style: chrX-41665359-A-G. GRCh37 (hg19) VCF-style: chrX-41524612-A-G.
Other names: c.626T>C, p.Leu209Pro (NM_001126054.3, NM_001126055.3, NM_001410745.1 and 1 more transcripts); short protein forms L209P.
Identifiers: ClinVar variation 432816 (VCV000432816.4), dbSNP rs1556014749, ClinGen allele CA412998045.

ClinVar aggregate classification (germline): Pathogenic/Likely pathogenic. Review status: criteria provided, multiple submitters, no conflicts (2 of 4 stars). 3 submissions from 3 submitters: Pathogenic (1); Likely pathogenic (1). 1 of the submissions does not count toward it. Last evaluated 2017-11-01.

Conditions:
Syndromic X-linked intellectual disability Najm type (MICPCH). Also called: Intellectual developmental disorder and microcephaly with pontine and cerebellar hypoplasia; Mental retardation and microcephaly with pontine and cerebellar hypoplasia; MENTAL RETARDATION, X-LINKED, SYNDROMIC, NAJM TYPE; Intellectual Disability and Microcephaly with Pontine and Cerebellar Hypoplasia (MICPCH); Intellectual Disability and Microcephaly with Pontine and Cerebellar Hypoplasia; MICPCH SYNDROME. Identifiers: Orphanet 163937, MedGen C2677903, MONDO:0010417, OMIM 300749.

Submissions (3):

Laboratory for Cytogenetics and Genome Research, KU Leuven
Classification: Pathogenic for Syndromic X-linked intellectual disability Najm type. Last evaluated: 2017-11-01. Review status: criteria provided, single submitter. Criteria: Li et al (Am J Hum Genet 2017). Collection method: research. Allele origin: de novo. Affected: yes. Observed: 1 variant allele.

GeneDx
Classification: Likely pathogenic. Last evaluated: 2017-06-20. Review status: criteria provided, single submitter. Criteria: GeneDx Variant Classification (06012015). Collection method: clinical testing. Allele origin: germline. Affected: yes.
Comment: The L209P variant in the CASK gene has not been reported previously as a pathogenic variant, nor as a benign variant, to our knowledge. The L209P variant is not observed in large population cohorts (Lek et al., 2016; 1000 Genomes Consortium et al., 2015; Exome Variant Server). The L209P variant is a semi-conservative amino acid substitution, which may impact secondary protein structure as these residues differ in some properties. This substitution occurs at a position that is conserved across species. In silico analysis predicts this variant is probably damaging to the protein structure/function. We interpret L209P as a likely pathogenic variant.

OMIM
Classification: Pathogenic for INTELLECTUAL DEVELOPMENTAL DISORDER WITH MICROCEPHALY AND PONTINE AND CEREBELLAR HYPOPLASIA. Last evaluated: 2022-11-11. Review status: no assertion criteria provided. Collection method: literature only. Allele origin: germline. Not counted in ClinVar's aggregate classification.

Literature cited by the submitters: PubMed 30549415 (cited by OMIM).